The following is an entry in ClinVar:

ClinVar aggregate classification (germline): Uncertain significance (1 of 4 stars; one submission).

Allele frequency attached by ClinVar (database versions not stated): gnomAD exomes below 0.00001.
gnomAD v4.1: 5 of 1,288,928 alleles (0.00039%); highest among the groups gnomAD compares: Non-Finnish European, 0.00049%; no homozygotes.

Submission:

Women's Health and Genetics/Laboratory Corporation of America, LabCorp
Classification: Uncertain significance. Last evaluated: 2023-12-26. Review status: criteria provided, single submitter. Criteria: LabCorp Variant Classification Summary - May 2015. Collection method: clinical testing. Allele origin: germline.
Comment: Variant summary: ATXN7 c.143A>G (p.Gln48Arg) results in a conservative amino acid change in the encoded protein sequence. Four of five in-silico tools predict a benign effect of the variant on protein function. The frequency data for this variant in gnomAD is considered unreliable, as metrics indicate poor data quality at this position. To our knowledge, no occurrence of c.143A>G in individuals affected with Spinocerebellar Ataxia 7 and no experimental evidence demonstrating its impact on protein function have been reported. No submitters have cited clinical-significance assessments for this variant to ClinVar after 2014. Based on the evidence outlined above, the variant was classified as uncertain significance.

NM_001377405.1(ATXN7):c.143A>G (p.Gln48Arg)

Genes: ATXN7 (ataxin 7; plus strand), LOC129936979 (ATAC-STARR-seq lymphoblastoid silent region 14501; plus strand). Cytogenetic location: 3p14.1.
Variant type: single nucleotide variant.
Coding change: c.143A>G on transcript NM_001377405.1 (MANE Select); coding-DNA position 143, A replaced by G.
Protein change: p.Gln48Arg; replaces glutamine 48 with arginine.
Molecular consequence: missense variant.
Genome position (GRCh38, 1-based): chr3:63,912,741, A>G. VCF-style: chr3-63912741-A-G. GRCh37 (hg19) VCF-style: chr3-63898417-A-G.
Other names: c.143A>G, p.Gln48Arg (NM_000333.4, NM_001177387.1, NM_001377406.1); short protein forms Q48R.
Identifiers: ClinVar variation 2691398 (VCV002691398.1), dbSNP rs1575883423, ClinGen allele CA353538698.